The following is an entry in ClinVar:

NM_005051.3(QARS1):c.1979G>C (p.Ser660Thr)

Gene: QARS1 (glutaminyl-tRNA synthetase 1; minus strand). Cytogenetic location: 3p21.31.
Variant type: single nucleotide variant.
Coding change: c.1979G>C on transcript NM_005051.3 (MANE Select); coding-DNA position 1979, G replaced by C.
Protein change: p.Ser660Thr; replaces serine 660 with threonine.
Molecular consequence: missense variant. On other transcripts: non-coding transcript variant (1).
Genome position (GRCh38, 1-based): chr3:49,098,458, C>G on the plus strand (G>C on the coding strand, the complement: QARS1 is on the minus strand). VCF-style: chr3-49098458-C-G. GRCh37 (hg19) VCF-style: chr3-49135891-C-G.
Other names: c.1946G>C, p.Ser649Thr (NM_001272073.2); c.1979G>C (NM_005051.1); short protein forms S660T, S649T.
Identifiers: ClinVar variation 859689 (VCV000859689.9), dbSNP rs755672487, ClinGen allele CA2391557.

ClinVar aggregate classification (germline): Uncertain significance. Review status: criteria provided, multiple submitters, no conflicts (2 of 4 stars). 2 submissions from 2 submitters: Uncertain significance (2). Last evaluated 2025-04-09.

Conditions:
Inborn genetic diseases. Identifiers: MedGen C0950123, MeSH D030342.
Diffuse cerebral and cerebellar atrophy - intractable seizures - progressive microcephaly syndrome. Also called: Microcephaly, progressive, with seizures and cerebral and cerebellar atrophy. Identifiers: Orphanet 404437, MedGen C4014239, MONDO:0014335, OMIM 615760.

Allele frequency attached by ClinVar (database versions not stated): gnomAD exomes below 0.00001; ExAC 0.00001.
gnomAD v4.1: 1 of 1,614,186 alleles (0.000062%); highest among the groups gnomAD compares: Non-Finnish European, 0.000085%; no homozygotes.

Submissions (2):

Ambry Genetics
Classification: Uncertain significance for Inborn genetic diseases. Last evaluated: 2025-04-09. Review status: criteria provided, single submitter. Criteria: Ambry Variant Classification Scheme 2023. Collection method: clinical testing. Allele origin: germline.

Labcorp Genetics (formerly Invitae), Labcorp
Classification: Uncertain significance for Diffuse cerebral and cerebellar atrophy - intractable seizures - progressive microcephaly syndrome. Last evaluated: 2024-11-11. Review status: criteria provided, single submitter. Criteria: Invitae Variant Classification Sherloc (09022015). Collection method: clinical testing. Allele origin: germline.
Comment: This sequence change replaces serine, which is neutral and polar, with threonine, which is neutral and polar, at codon 660 of the QARS protein (p.Ser660Thr). This variant is present in population databases (rs755672487, gnomAD 0.0009%). This variant has not been reported in the literature in individuals affected with QARS-related conditions. ClinVar contains an entry for this variant (Variation ID: 859689). An algorithm developed to predict the effect of missense changes on protein structure and function outputs the following: PolyPhen-2: "Benign". The threonine amino acid residue is found in multiple mammalian species, which suggests that this missense change does not adversely affect protein function. In summary, the available evidence is currently insufficient to determine the role of this variant in disease. Therefore, it has been classified as a Variant of Uncertain Significance.